The following is an entry in ClinVar:

ClinVar aggregate classification (germline): Uncertain significance. Review status: criteria provided, multiple submitters, no conflicts (2 of 4 stars). 3 submissions from 3 submitters: Uncertain significance (3). Last evaluated 2023-02-24.

Conditions:
Cardiovascular phenotype. Identifiers: MedGen CN230736.
Alstrom syndrome (ALMS). Identifiers: Orphanet 64, MedGen C0268425, MONDO:0008763, OMIM 203800.

Allele frequency attached by ClinVar (database versions not stated): gnomAD exomes below 0.00001.
gnomAD v4.1: 1 of 1,613,948 alleles (0.000062%); highest among the groups gnomAD compares: Non-Finnish European, 0.000085%; no homozygotes.

Submissions (3):

Ambry Genetics
Classification: Uncertain significance for Cardiovascular phenotype. Last evaluated: 2023-02-24. Review status: criteria provided, single submitter. Criteria: Ambry Variant Classification Scheme 2023. Collection method: clinical testing. Allele origin: germline.
Comment: The p.Q367R variant (also known as c.1100A>G), located in coding exon 5 of the ALMS1 gene, results from an A to G substitution at nucleotide position 1100. The glutamine at codon 367 is replaced by arginine, an amino acid with highly similar properties. This amino acid position is well conserved in available vertebrate species. In addition, this alteration is predicted to be tolerated by in silico analysis. Since supporting evidence is limited at this time, the clinical significance of this alteration remains unclear.

Fulgent Genetics
Classification: Uncertain significance for Alstrom syndrome. Last evaluated: 2022-03-09. Review status: criteria provided, single submitter. Criteria: ACMG Guidelines, 2015. Collection method: clinical testing. Allele origin: unknown.

Labcorp Genetics (formerly Invitae), Labcorp
Classification: Uncertain significance for Alstrom syndrome. Last evaluated: 2021-09-21. Review status: criteria provided, single submitter. Criteria: Invitae Variant Classification Sherloc (09022015). Collection method: clinical testing. Allele origin: germline.
Comment: In summary, the available evidence is currently insufficient to determine the role of this variant in disease. Therefore, it has been classified as a Variant of Uncertain Significance. Experimental studies and prediction algorithms are not available or were not evaluated, and the functional significance of this variant is currently unknown. This variant has not been reported in the literature in individuals affected with ALMS1-related conditions. This variant is not present in population databases (ExAC no frequency). This sequence change replaces glutamine with arginine at codon 367 of the ALMS1 protein (p.Gln367Arg). The glutamine residue is weakly conserved and there is a small physicochemical difference between glutamine and arginine.

NM_001378454.1(ALMS1):c.1097A>G (p.Gln366Arg)

Gene: ALMS1 (ALMS1 centrosome and basal body associated protein; plus strand). Cytogenetic location: 2p13.1.
Variant type: single nucleotide variant.
Coding change: c.1097A>G on transcript NM_001378454.1 (MANE Select); coding-DNA position 1097, A replaced by G.
Protein change: p.Gln366Arg; replaces glutamine 366 with arginine.
Molecular consequence: missense variant.
Genome position (GRCh38, 1-based): chr2:73,424,762, A>G. VCF-style: chr2-73424762-A-G. GRCh37 (hg19) VCF-style: chr2-73651890-A-G.
Other names: c.1100A>G, p.Gln367Arg (NM_015120.4); short protein forms Q366R, Q367R.
Identifiers: ClinVar variation 1375397 (VCV001375397.6), dbSNP rs2103715685, ClinGen allele CA347261492.